The following is an entry in ClinVar:

ClinVar aggregate classification (germline): Uncertain significance (1 of 4 stars; one submission).

Conditions:
Neuroblastoma, susceptibility to, 3. Also called: ALK-Related Neuroblastic Tumor Susceptibility. Identifiers: Orphanet 635, MedGen C2751681, MONDO:0013083, OMIM 613014.

Submission:

Labcorp Genetics (formerly Invitae), Labcorp
Classification: Uncertain significance for Neuroblastoma, susceptibility to, 3. Last evaluated: 2024-07-24. Review status: criteria provided, single submitter. Criteria: Invitae Variant Classification Sherloc (09022015). Collection method: clinical testing. Allele origin: germline.
Comment: This variant, c.4458_4460del, results in the deletion of 1 amino acid(s) of the ALK protein (p.Ser1487del), but otherwise preserves the integrity of the reading frame. This variant is not present in population databases (gnomAD no frequency). This variant has not been reported in the literature in individuals affected with ALK-related conditions. Experimental studies and prediction algorithms are not available or were not evaluated, and the functional significance of this variant is currently unknown. In summary, the available evidence is currently insufficient to determine the role of this variant in disease. Therefore, it has been classified as a Variant of Uncertain Significance.

NM_004304.5(ALK):c.4458_4460del (p.Ser1487del)

Gene: ALK (ALK receptor tyrosine kinase; minus strand). Cytogenetic location: 2p23.2.
Variant type: Deletion.
Coding change: c.4458_4460del on transcript NM_004304.5 (MANE Select); coding-DNA positions 4458 to 4460, 3 bases deleted (TTC; older notation c.4458_4460delTTC).
Protein change: p.Ser1487del; deletes serine 1487.
Genome position (GRCh38, 1-based): chr2:29,193,627-29,193,629, GAA deleted on the plus strand (TTC on the coding strand, the reverse complement: ALK is on the minus strand); deleting any 3 consecutive bases within chr2:29,193,627-29,193,630 gives the same sequence; the c. name uses the placement nearest the transcript's 3' end. VCF-style (leftmost placement, unchanged base first): chr2-29193626-CGAA-C. GRCh37 (hg19) VCF-style: chr2-29416492-CGAA-C.
Other names: c.1254_1256del, p.Ser419del (NM_001353765.2); short protein forms S419del, S1487del.
Identifiers: ClinVar variation 3685644 (VCV003685644.2).
Genomic context (GRCh38, chr2:29,193,626, plus strand): 5'-GTACGTTGGGTTCCACAAGCTGGTGGGCTTGTTTCTGGATCCGTGGACCTTGTGCAACTC[CGAA>C]GGAGGGTTGGACTGAGAGAATGCCATATTCACGTGTCCCCCTTCCACGGCCGGCCCTCTA-3'